The following is an entry in ClinVar:

ClinVar aggregate classification (germline): Pathogenic (1 of 4 stars; one submission).

Conditions:
Retinoblastoma (RB1). Also called: RETINOBLASTOMA, SOMATIC. Identifiers: Orphanet 790, MedGen C0035335, MeSH D012175, MONDO:0008380, OMIM 180200, HP:0009919. Disease mechanism: loss of function. Inheritance: Both sporadic and heritable forms are tested..

Submission:

Labcorp Genetics (formerly Invitae), Labcorp
Classification: Pathogenic for Retinoblastoma. Last evaluated: 2022-09-23. Review status: criteria provided, single submitter. Criteria: Invitae Variant Classification Sherloc (09022015). Collection method: clinical testing. Allele origin: germline.
Comment: For these reasons, this variant has been classified as Pathogenic. Algorithms developed to predict the effect of sequence changes on RNA splicing suggest that this variant may disrupt the consensus splice site. Disruption of this splice site has been observed in individual(s) with retinoblastoma (PMID: 15776430, 24810223). This variant is not present in population databases (gnomAD no frequency). This sequence change affects a donor splice site in intron 17 of the RB1 gene. It is expected to disrupt RNA splicing. Variants that disrupt the donor or acceptor splice site typically lead to a loss of protein function (PMID: 16199547), and loss-of-function variants in RB1 are known to be pathogenic (PMID: 17096365).

Literature cited by the submitters: PubMed 15776430; PubMed 24810223; PubMed 16199547; PubMed 17096365.

NM_000321.3(RB1):c.1695+1G>T

Gene: RB1 (RB transcriptional corepressor 1; plus strand). Cytogenetic location: 13q14.2.
Variant type: single nucleotide variant.
Coding change: c.1695+1G>T on transcript NM_000321.3 (MANE Select); the canonical splice donor site of the intron after coding-DNA position 1695, G replaced by T.
Molecular consequence: splice donor variant. On other transcripts: missense variant (1).
Genome position (GRCh38, 1-based): chr13:48,381,444, G>T. VCF-style: chr13-48381444-G-T. GRCh37 (hg19) VCF-style: chr13-48955580-G-T.
Other names: c.1696G>T, p.Val566Leu (NM_001407166.1); c.1695+1G>T (NM_001407165.1); short protein forms V566L.
Identifiers: ClinVar variation 2137501 (VCV002137501.4), dbSNP rs587778857, ClinGen allele CA388164072.
Genomic context (GRCh38, chr13:48,381,444, plus strand): 5'-ATGATAAAACATTTAGAACGATGTGAACATCGAATCATGGAATCCCTTGCATGGCTCTCA[G>T]TAAGTAGCTAAATAATTGAAGAAATTCATTCATGTGCATATGGCTAACAAATTATTGTTA-3'